The following is an entry in ClinVar:

NM_000110.4(DPYD):c.2698C>T (p.Gln900Ter)

Genes: DPYD (dihydropyrimidine dehydrogenase; minus strand), DPYD-AS1 (DPYD antisense RNA 1; plus strand). Cytogenetic location: 1p21.3.
Variant type: single nucleotide variant.
Coding change: c.2698C>T on transcript NM_000110.4 (MANE Select); coding-DNA position 2698, C replaced by T.
Protein change: p.Gln900Ter; replaces glutamine 900 with a stop codon.
Molecular consequence: nonsense.
Genome position (GRCh38, 1-based): chr1:97,098,557, G>A on the plus strand (C>T on the coding strand, the complement: DPYD is on the minus strand). VCF-style: chr1-97098557-G-A. GRCh37 (hg19) VCF-style: chr1-97564113-G-A.
Other names: short protein forms Q900*.
Identifiers: ClinVar variation 5013379 (VCV005013379.1).
Genomic context (GRCh38, chr1:97,098,557, plus strand): 5'-TAGGAATAGGCCTTTTGGGGATAAAACAGTTTCTCTTAAGTGGTGAAAAAGCTACATTTT[G>A]TTCTTTCAGTCTAATCTTGTTTTCTGCTATGATTTTCTTGCGCTGTTCCAGATAAGGTCC-3'

ClinVar aggregate classification (germline): Pathogenic (1 of 4 stars; one submission).

Conditions:
Dihydropyrimidine dehydrogenase deficiency (DPYDD). Also called: DPD DEFICIENCY; DPYD DEFICIENCY; Hereditary Thymine-Uraciluria. Identifiers: Orphanet 1675, MedGen C1959620, MONDO:0010130, OMIM 274270.

gnomAD v4.1: 1 of 1,613,174 alleles (0.000062%); highest among the groups gnomAD compares: Non-Finnish European, 0.000085%; no homozygotes.

Submission:

Myriad Genetics, Inc.
Classification: Pathogenic for Dihydropyrimidine dehydrogenase deficiency. Last evaluated: 2024-07-27. Review status: criteria provided, single submitter. Criteria: Myriad Autosomal Dominant, Autosomal Recessive and X-Linked Classification Criteria (2023). Collection method: clinical testing. Allele origin: unknown.
Comment: NM_000110.3(DPYD):c.2698C>T(Q900*) is expected to be pathogenic in the context of dihydropyrimidine dehydrogenase deficiency. This variant is predicted to lead to an abnormal or absent protein product due to the creation of a premature termination codon in DPYD, a gene where loss-of-function variants are known to be pathogenic. Please note: this variant was assessed in the context of healthy population screening.